The following is an entry in ClinVar:

NM_006766.5(KAT6A):c.758A>G (p.Lys253Arg)

Gene: KAT6A (lysine acetyltransferase 6A; minus strand). Cytogenetic location: 8p11.21.
Variant type: single nucleotide variant.
Coding change: c.758A>G on transcript NM_006766.5 (MANE Select); coding-DNA position 758, A replaced by G.
Protein change: p.Lys253Arg; replaces lysine 253 with arginine.
Molecular consequence: missense variant.
Genome position (GRCh38, 1-based): chr8:41,981,906, T>C on the plus strand (A>G on the coding strand, the complement: KAT6A is on the minus strand). VCF-style: chr8-41981906-T-C. GRCh37 (hg19) VCF-style: chr8-41839424-T-C.
Other names: c.758A>G, p.Lys253Arg (NM_001305878.2); short protein forms K253R.
Identifiers: ClinVar variation 1706426 (VCV001706426.2), dbSNP rs1029454251, ClinGen allele CA176305758.

ClinVar aggregate classification (germline): Uncertain significance (1 of 4 stars; one submission).

Allele frequency attached by ClinVar (database versions not stated): gnomAD exomes below 0.00001; TOPMed below 0.00001.
gnomAD v4.1: 1 of 1,614,068 alleles (0.000062%); highest among the groups gnomAD compares: Non-Finnish European, 0.000085%; no homozygotes.

Submission:

GeneDx
Classification: Uncertain significance. Last evaluated: 2022-09-14. Review status: criteria provided, single submitter. Criteria: GeneDx Variant Classification Process June 2021. Collection method: clinical testing. Allele origin: germline. Affected: yes.
Comment: Not observed in large population cohorts (gnomAD); In silico analysis supports that this missense variant does not alter protein structure/function; Has not been previously published as pathogenic or benign to our knowledge